The following is an entry in ClinVar:

ClinVar aggregate classification (germline): Benign (1 of 4 stars; one submission).

Conditions:
Leigh syndrome (NULS). Also called: Leigh's necrotizing encephalopathy; Leigh's disease; Leigh Syndrome (mtDNA deletion); Leigh Disease; Subacute necrotizing encephalopathy; Necrotizing encephalopathy infantile subacute of Leigh. Identifiers: Orphanet 506, MedGen C2931891, MONDO:0009723, OMIM 256000.

Submission:

Wong Mito Lab, Molecular and Human Genetics, Baylor College of Medicine
Classification: Benign for Leigh syndrome. Last evaluated: 2019-10-17. Review status: criteria provided, single submitter. Criteria: Modified ACMG Guidelines (Unpublished). Collection method: clinical testing. Allele origin: germline.
Comment: The NC_012920.1:m.9682T>C (YP_003024032.1:p.Met159Thr) variant in MTCO3 gene is interpretated to be a Benign variant based on the modified ACMG guidelines (unpublished). This variant meets the following evidence codes: BS1, BS2, BP4

NC_012920.1(MT-CO3):m.9682T>C

Gene: MT-CO3 (mitochondrially encoded cytochrome c oxidase III; plus strand).
Variant type: single nucleotide variant.
Genome position: chrM-9682-T-C.
Identifiers: ClinVar variation 693205 (VCV000693205.1), dbSNP rs199750417, ClinGen allele CA337098525.
Genomic context (GRCh38, chrMT:9,682, plus strand): 5'-CATCAGGAGTATCAATCACCTGAGCTCACCATAGTCTAATAGAAAACAACCGAAACCAAA[T>C]AATTCAAGCACTGCTTATTACAATTTTACTGGGTCTCTATTTTACCCTCCTACAAGCCTC-3'